The following is an entry in ClinVar:

NM_014413.4(EIF2AK1):c.1715C>T (p.Pro572Leu)

Gene: EIF2AK1 (eukaryotic translation initiation factor 2 alpha kinase 1; minus strand). Cytogenetic location: 7p22.1.
Variant type: single nucleotide variant.
Coding change: c.1715C>T on transcript NM_014413.4 (MANE Select); coding-DNA position 1715, C replaced by T.
Protein change: p.Pro572Leu; replaces proline 572 with leucine.
Molecular consequence: missense variant.
Genome position (GRCh38, 1-based): chr7:6,026,777, G>A on the plus strand (C>T on the coding strand, the complement: EIF2AK1 is on the minus strand). VCF-style: chr7-6026777-G-A. GRCh37 (hg19) VCF-style: chr7-6066408-G-A.
Other names: c.1712C>T, p.Pro571Leu (NM_001134335.2); short protein forms P571L, P572L.
Identifiers: ClinVar variation 3693754 (VCV003693754.2).

ClinVar aggregate classification (germline): Uncertain significance (1 of 4 stars; one submission).

Submission:

Labcorp Genetics (formerly Invitae), Labcorp
Classification: Uncertain significance. Last evaluated: 2025-01-14. Review status: criteria provided, single submitter. Criteria: Invitae Variant Classification Sherloc (09022015). Collection method: clinical testing. Allele origin: germline.
Comment: This sequence change replaces proline, which is neutral and non-polar, with leucine, which is neutral and non-polar, at codon 572 of the EIF2AK1 protein (p.Pro572Leu). This variant is not present in population databases (gnomAD no frequency). This variant has not been reported in the literature in individuals affected with EIF2AK1-related conditions. An algorithm developed to predict the effect of missense changes on protein structure and function (PolyPhen-2) suggests that this variant is likely to be disruptive. In summary, the available evidence is currently insufficient to determine the role of this variant in disease. Therefore, it has been classified as a Variant of Uncertain Significance.